The following is an entry in ClinVar:

NM_002633.3(PGM1):c.512G>A (p.Gly171Glu)

Gene: PGM1 (phosphoglucomutase 1; plus strand). Cytogenetic location: 1p31.3.
Variant type: single nucleotide variant.
Coding change: c.512G>A on transcript NM_002633.3 (MANE Select); coding-DNA position 512, G replaced by A.
Protein change: p.Gly171Glu; replaces glycine 171 with glutamic acid.
Molecular consequence: missense variant. On other transcripts: 5 prime UTR variant (1).
Genome position (GRCh38, 1-based): chr1:63,630,044, G>A. VCF-style: chr1-63630044-G-A. GRCh37 (hg19) VCF-style: chr1-64095715-G-A.
Other names: c.566G>A, p.Gly189Glu (NM_001172818.1); c.-80G>A (NM_001172819.2); short protein forms G171E, G189E.
Identifiers: ClinVar variation 2726627 (VCV002726627.3), dbSNP rs766886656, ClinGen allele CA889558.

ClinVar aggregate classification (germline): Uncertain significance (1 of 4 stars; one submission).

Conditions:
PGM1-congenital disorder of glycosylation. Also called: Congenital disorder of glycosylation type 1t; PHOSPHOGLUCOMUTASE 1 DEFICIENCY; PGM1 DEFICIENCY; GLYCOGEN STORAGE DISEASE XIV; CDG It; GSD XIV. Identifiers: Orphanet 319646, MedGen C2752015, MONDO:0013968, OMIM 614921.

Allele frequency attached by ClinVar (database versions not stated): ExAC 0.00001; gnomAD exomes 0.00001.
gnomAD v4.1: 10 of 1,614,070 alleles (0.00062%); highest among the groups gnomAD compares: Non-Finnish European, 0.00085%; no homozygotes.

Submission:

Labcorp Genetics (formerly Invitae), Labcorp
Classification: Uncertain significance for PGM1-congenital disorder of glycosylation. Last evaluated: 2023-09-10. Review status: criteria provided, single submitter. Criteria: Invitae Variant Classification Sherloc (09022015). Collection method: clinical testing. Allele origin: germline.
Comment: This variant has not been reported in the literature in individuals affected with PGM1-related conditions. This variant is present in population databases (rs766886656, gnomAD 0.0009%). This sequence change replaces glycine, which is neutral and non-polar, with glutamic acid, which is acidic and polar, at codon 171 of the PGM1 protein (p.Gly171Glu). Advanced modeling of protein sequence and biophysical properties (such as structural, functional, and spatial information, amino acid conservation, physicochemical variation, residue mobility, and thermodynamic stability) performed at Invitae indicates that this missense variant is not expected to disrupt PGM1 protein function. In summary, the available evidence is currently insufficient to determine the role of this variant in disease. Therefore, it has been classified as a Variant of Uncertain Significance.